The following is an entry in ClinVar:

ClinVar aggregate classification (germline): Uncertain significance (1 of 4 stars; one submission).

gnomAD v4.1: 1 of 1,612,512 alleles (0.000062%); highest among the groups gnomAD compares: Non-Finnish European, 0.000085%; no homozygotes.

Submission:

GeneDx
Classification: Uncertain significance. Last evaluated: 2025-06-11. Review status: criteria provided, single submitter. Criteria: GeneDx Variant Classification Process June 2021. Collection method: clinical testing. Allele origin: germline. Affected: yes.
Comment: Not observed at significant frequency in large population cohorts (gnomAD); In silico analysis supports that this missense variant has a deleterious effect on protein structure/function; Has not been previously published as pathogenic or benign to our knowledge

NM_001163809.2(WDR81):c.5770A>C (p.Thr1924Pro)

Gene: WDR81 (WD repeat domain 81; plus strand). Cytogenetic location: 17p13.3.
Variant type: single nucleotide variant.
Coding change: c.5770A>C on transcript NM_001163809.2 (MANE Select); coding-DNA position 5770, A replaced by C.
Protein change: p.Thr1924Pro; replaces threonine 1924 with proline.
Molecular consequence: missense variant.
Genome position (GRCh38, 1-based): chr17:1,737,629, A>C. VCF-style: chr17-1737629-A-C. GRCh37 (hg19) VCF-style: chr17-1640923-A-C.
Other names: c.2161A>C, p.Thr721Pro (NM_001163673.2); c.2089A>C, p.Thr697Pro (NM_001163811.2); c.2617A>C, p.Thr873Pro (NM_152348.4); short protein forms T1924P, T697P, T721P, T873P.
Identifiers: ClinVar variation 4537725 (VCV004537725.1).